The following is an entry in ClinVar:

NM_001103.4(ACTN2):c.41A>G (p.Tyr14Cys)

Gene: ACTN2 (actinin alpha 2; plus strand). Cytogenetic location: 1q43.
Variant type: single nucleotide variant.
Coding change: c.41A>G on transcript NM_001103.4 (MANE Select); coding-DNA position 41, A replaced by G.
Protein change: p.Tyr14Cys; replaces tyrosine 14 with cysteine.
Molecular consequence: missense variant. On other transcripts: non-coding transcript variant (1).
Genome position (GRCh38, 1-based): chr1:236,686,714, A>G. VCF-style: chr1-236686714-A-G. GRCh37 (hg19) VCF-style: chr1-236850014-A-G.
Other names: c.41A>G, p.Tyr14Cys (NM_001278343.2); c.-781A>G (NM_001278344.2); c.-906A>G (NM_001412150.1); short protein forms Y14C.
Identifiers: ClinVar variation 2562766 (VCV002562766.2), dbSNP rs1665882020, ClinGen allele CA345358165.
Genomic context (GRCh38, chr1:236,686,714, plus strand): 5'-GCCCCGGCCAACCGAGCGCCATGAACCAGATAGAGCCCGGCGTGCAGTACAACTACGTGT[A>G]CGACGAGGATGAGTACATGATCCAGGAGGAGGAGTGGGACCGCGACCTGCTCCTGGACCC-3'
Protein context (NP_001094.1, residues 4-24): IEPGVQYNYV[Tyr14Cys]DEDEYMIQEE

ClinVar aggregate classification (germline): Uncertain significance (1 of 4 stars; one submission).

Conditions:
Cardiovascular phenotype. Identifiers: MedGen CN230736.

Allele frequency attached by ClinVar (database versions not stated): gnomAD exomes below 0.00001.
gnomAD v4.1: 6 of 1,567,002 alleles (0.00038%); highest among the groups gnomAD compares: Non-Finnish European, 0.00052%; no homozygotes.

Submission:

Ambry Genetics
Classification: Uncertain significance for Cardiovascular phenotype. Last evaluated: 2023-05-15. Review status: criteria provided, single submitter. Criteria: Ambry Variant Classification Scheme 2023. Collection method: clinical testing. Allele origin: germline.
Comment: The p.Y14C variant (also known as c.41A>G), located in coding exon 1 of the ACTN2 gene, results from an A to G substitution at nucleotide position 41. The tyrosine at codon 14 is replaced by cysteine, an amino acid with highly dissimilar properties. This amino acid position is conserved. In addition, the in silico prediction for this alteration is inconclusive. Since supporting evidence is limited at this time, the clinical significance of this alteration remains unclear.